The following is an entry in ClinVar:

ClinVar aggregate classification (germline): Pathogenic. Review status: criteria provided, multiple submitters, no conflicts (2 of 4 stars). 2 submissions from 2 submitters: Pathogenic (2). Last evaluated 2020-03-09.

Conditions:
Congenital central hypoventilation. Also called: Congenital Central Hypoventilation Syndrome. Identifiers: Orphanet 661, Orphanet 99803, MedGen C1275808, MONDO:0800031. Disease mechanism: gain of function.
Hereditary cancer-predisposing syndrome. Also called: Hereditary Cancer Syndrome; Hereditary neoplastic syndrome; Tumor predisposition; Neoplastic Syndromes, Hereditary. Identifiers: Orphanet 140162, MedGen C0027672, MeSH D009386, MONDO:0015356.

Submissions (2):

Baylor Genetics
Classification: Pathogenic for Central hypoventilation syndrome, congenital, 1, with or without Hirschsprung disease. Last evaluated: 2020-03-09. Review status: criteria provided, single submitter. Criteria: ACMG Guidelines, 2015. Collection method: clinical testing. Allele origin: de novo. Affected: yes.
Comment: This variant was determined to be pathogenic according to ACMG Guidelines, 2015 [PMID:25741868].

Ambry Genetics
Classification: Pathogenic for Hereditary cancer-predisposing syndrome. Last evaluated: 2020-02-25. Review status: criteria provided, single submitter. Criteria: Ambry Variant Classification Scheme 2023. Collection method: clinical testing. Allele origin: germline.
Comment: The p.Q98* pathogenic mutation (also known as c.292C>T), located in coding exon 2 of the PHOX2B gene, results from a C to T substitution at nucleotide position 292. This changes the amino acid from a glutamine to a stop codon within coding exon 2. This alteration is expected to result in loss of function by premature protein truncation or nonsense-mediated mRNA decay. As such, this alteration is interpreted as a disease-causing mutation.

NM_003924.4(PHOX2B):c.292C>T (p.Gln98Ter)

Gene: PHOX2B (paired like homeobox 2B; minus strand). Cytogenetic location: 4p13.
Variant type: single nucleotide variant.
Coding change: c.292C>T on transcript NM_003924.4 (MANE Select); coding-DNA position 292, C replaced by T.
Protein change: p.Gln98Ter; replaces glutamine 98 with a stop codon.
Molecular consequence: nonsense.
Genome position (GRCh38, 1-based): chr4:41,747,486, G>A on the plus strand (C>T on the coding strand, the complement: PHOX2B is on the minus strand). VCF-style: chr4-41747486-G-A. GRCh37 (hg19) VCF-style: chr4-41749503-G-A.
Other names: short protein forms Q98*.
Identifiers: ClinVar variation 1029784 (VCV001029784.3), dbSNP rs1733947320, ClinGen allele CA356740422.